The following is an entry in ClinVar:

NM_177438.3(DICER1):c.3496G>C (p.Val1166Leu)

Gene: DICER1 (dicer 1, ribonuclease III; minus strand). Cytogenetic location: 14q32.13.
Variant type: single nucleotide variant.
Coding change: c.3496G>C on transcript NM_177438.3 (MANE Select); coding-DNA position 3496, G replaced by C.
Protein change: p.Val1166Leu; replaces valine 1166 with leucine.
Molecular consequence: missense variant.
Genome position (GRCh38, 1-based): chr14:95,103,900, C>G on the plus strand (G>C on the coding strand, the complement: DICER1 is on the minus strand). VCF-style: chr14-95103900-C-G. GRCh37 (hg19) VCF-style: chr14-95570237-C-G.
Other names: c.3496G>C, p.Val1166Leu (NM_001195573.1, NM_001271282.3, NM_001291628.2 and 1 more transcripts); short protein forms V1166L.
Identifiers: ClinVar variation 1418747 (VCV001418747.11), dbSNP rs368588781, ClinGen allele CA390875183.

ClinVar aggregate classification (germline): Uncertain significance. Review status: criteria provided, multiple submitters, no conflicts (2 of 4 stars). 2 submissions from 2 submitters: Uncertain significance (2). Last evaluated 2024-05-14.

Conditions:
DICER1-related tumor predisposition. Also called: DICER1-related pleuropulmonary blastoma cancer predisposition syndrome; DICER1 syndrome. Identifiers: Orphanet 284343, MedGen C3839822, MONDO:0100216.
Hereditary cancer-predisposing syndrome. Also called: Hereditary neoplastic syndrome; Neoplastic Syndromes, Hereditary; Hereditary Cancer Syndrome; Tumor predisposition. Identifiers: Orphanet 140162, MedGen C0027672, MeSH D009386, MONDO:0015356.

gnomAD v4.1: 5 of 1,614,158 alleles (0.00031%); highest among the groups gnomAD compares: Non-Finnish European, 0.00042%; no homozygotes.

Submissions (2):

Labcorp Genetics (formerly Invitae), Labcorp
Classification: Uncertain significance for DICER1-related tumor predisposition. Last evaluated: 2024-05-14. Review status: criteria provided, single submitter. Criteria: Invitae Variant Classification Sherloc (09022015). Collection method: clinical testing. Allele origin: germline.
Comment: This sequence change replaces valine, which is neutral and non-polar, with leucine, which is neutral and non-polar, at codon 1166 of the DICER1 protein (p.Val1166Leu). This variant is not present in population databases (gnomAD no frequency). This variant has not been reported in the literature in individuals affected with DICER1-related conditions. ClinVar contains an entry for this variant (Variation ID: 1418747). Advanced modeling of protein sequence and biophysical properties (such as structural, functional, and spatial information, amino acid conservation, physicochemical variation, residue mobility, and thermodynamic stability) performed at Invitae indicates that this missense variant is not expected to disrupt DICER1 protein function with a negative predictive value of 80%. In summary, the available evidence is currently insufficient to determine the role of this variant in disease. Therefore, it has been classified as a Variant of Uncertain Significance.

Ambry Genetics
Classification: Uncertain significance for Hereditary cancer-predisposing syndrome. Last evaluated: 2022-02-04. Review status: criteria provided, single submitter. Criteria: Ambry Variant Classification Scheme 2023. Collection method: clinical testing. Allele origin: germline.
Comment: The p.V1166L variant (also known as c.3496G>C), located in coding exon 20 of the DICER1 gene, results from a G to C substitution at nucleotide position 3496. The valine at codon 1166 is replaced by leucine, an amino acid with highly similar properties. This amino acid position is conserved. In addition, this alteration is predicted to be tolerated by in silico analysis. Since supporting evidence is limited at this time, the clinical significance of this alteration remains unclear.